The following is an entry in ClinVar:

ClinVar aggregate classification (germline): Uncertain significance (1 of 4 stars; one submission).

Conditions:
Familial thoracic aortic aneurysm and aortic dissection (TAAD). Also called: Thoracic aortic aneurysms and dissections. Identifiers: Orphanet 91387, MedGen C4707243, MONDO:0019625.

Allele frequency attached by ClinVar (database versions not stated): gnomAD exomes below 0.00001.
gnomAD v4.1: 3 of 1,614,000 alleles (0.00019%); highest among the groups gnomAD compares: Non-Finnish European, 0.00017%; no homozygotes.

Submission:

Color Diagnostics, LLC DBA Color Health
Classification: Uncertain significance for Familial thoracic aortic aneurysm and aortic dissection. Last evaluated: 2018-12-01. Review status: criteria provided, single submitter. Criteria: ACMG Guidelines, 2015. Collection method: clinical testing. Allele origin: germline.
Comment: Variant of Uncertain Significance due to insufficient evidence: This missense variant is located in the linker region between MH1 DNA biding domain and MH2 protein interaction domain of the SMAD3 protein. Computational prediction tools and conservation analyses are inconclusive regarding the impact of this variant on the protein function. Computational splicing tools suggest that this variant may not impact RNA splicing. To our knowledge, functional assays have not been performed for this variant nor has this variant been reported in individuals affected with cardiovascular disorders in the literature. This variant has been identified in 1/246226 chromosomes in the general population by the Genome Aggregation Database (gnomAD). Available evidence is insufficient to determine the pathogenicity of this variant conclusively.

NM_005902.4(SMAD3):c.626C>T (p.Pro209Leu)

Gene: SMAD3 (SMAD family member 3; plus strand). Cytogenetic location: 15q22.33.
Variant type: single nucleotide variant.
Coding change: c.626C>T on transcript NM_005902.4 (MANE Select); coding-DNA position 626, C replaced by T.
Protein change: p.Pro209Leu; replaces proline 209 with leucine.
Molecular consequence: missense variant.
Genome position (GRCh38, 1-based): chr15:67,170,572, C>T. VCF-style: chr15-67170572-C-T. GRCh37 (hg19) VCF-style: chr15-67462910-C-T.
Other names: c.311C>T, p.Pro104Leu (NM_001145102.2); c.494C>T, p.Pro165Leu (NM_001145103.2); c.41C>T, p.Pro14Leu (NM_001145104.2); short protein forms P209L, P14L, P104L, P165L.
Identifiers: ClinVar variation 927582 (VCV000927582.3), dbSNP rs1209899173, ClinGen allele CA392955020.